The following is an entry in ClinVar:

NM_001317785.2(STYXL1):c.89A>G (p.Tyr30Cys)

Gene: STYXL1 (serine/threonine/tyrosine interacting like 1; minus strand). Cytogenetic location: 7q11.23.
Variant type: single nucleotide variant.
Coding change: c.89A>G on transcript NM_001317785.2 (MANE Select); coding-DNA position 89, A replaced by G.
Protein change: p.Tyr30Cys; replaces tyrosine 30 with cysteine.
Molecular consequence: missense variant. On other transcripts: 5 prime UTR variant (1), non-coding transcript variant (2).
Genome position (GRCh38, 1-based): chr7:76,030,435, T>C on the plus strand (A>G on the coding strand, the complement: STYXL1 is on the minus strand). VCF-style: chr7-76030435-T-C. GRCh37 (hg19) VCF-style: chr7-75659753-T-C.
Other names: c.89A>G, p.Tyr30Cys (NM_001317786.2, NM_001317787.2, NM_001317788.2 and 1 more transcripts); c.-180A>G (NM_001317789.1); short protein forms Y30C.
Identifiers: ClinVar variation 3041363 (VCV003041363.2), dbSNP rs145942606, ClinGen allele CA4305356.

ClinVar aggregate classification (germline): Likely benign (0 of 4 stars; one submission).

Conditions:
STYXL1-related disorder. Also called: STYXL1-related condition.

Allele frequency attached by ClinVar (database versions not stated): 1000 Genomes Project 0.00080; 1000 Genomes Project 30x 0.00094; ExAC 0.00302; gnomAD 0.00306; TOPMed 0.00312; gnomAD exomes 0.00384; ESP Exome Variant Server 0.00408.

Submission:

PreventionGenetics, part of Exact Sciences
Classification: Likely benign for STYXL1-related condition. Last evaluated: 2022-08-01. Review status: no assertion criteria provided. Collection method: clinical testing. Allele origin: germline.
Comment: This variant is classified as likely benign based on ACMG/AMP sequence variant interpretation guidelines (Richards et al. 2015 PMID: 25741868, with internal and published modifications).